The following is an entry in ClinVar:

NM_001370259.2(MEN1):c.112T>C (p.Ser38Pro)

Gene: MEN1 (menin 1; minus strand). Cytogenetic location: 11q13.1.
Variant type: single nucleotide variant.
Coding change: c.112T>C on transcript NM_001370259.2 (MANE Select); coding-DNA position 112, T replaced by C.
Protein change: p.Ser38Pro; replaces serine 38 with proline.
Molecular consequence: missense variant.
Genome position (GRCh38, 1-based): chr11:64,809,998, A>G on the plus strand (T>C on the coding strand, the complement: MEN1 is on the minus strand). VCF-style: chr11-64809998-A-G. GRCh37 (hg19) VCF-style: chr11-64577470-A-G.
Other names: c.112T>C, p.Ser38Pro (NM_000244.4, NM_001370251.2, NM_001370260.2 and 20 more transcripts); short protein forms S38P.
Identifiers: ClinVar variation 1728029 (VCV001728029.2), dbSNP rs1341908127, ClinGen allele CA381187931.

ClinVar aggregate classification (germline): Likely pathogenic (1 of 4 stars; one submission).

Conditions:
Hereditary cancer-predisposing syndrome. Also called: Tumor predisposition; Neoplastic Syndromes, Hereditary; Hereditary Cancer Syndrome; Hereditary neoplastic syndrome. Identifiers: Orphanet 140162, MedGen C0027672, MeSH D009386, MONDO:0015356.

Submission:

Ambry Genetics
Classification: Likely pathogenic for Hereditary cancer-predisposing syndrome. Last evaluated: 2020-12-28. Review status: criteria provided, single submitter. Criteria: Ambry Variant Classification Scheme 2023. Collection method: clinical testing. Allele origin: germline.
Comment: The p.S38P variant (also known as c.112T>C), located in coding exon 1 of the MEN1 gene, results from a T to C substitution at nucleotide position 112. The serine at codon 38 is replaced by proline, an amino acid with similar properties. This alteration has been reported in individuals with personal and family history consistent with multiple endocrine neoplasia type 1 (MEN1) syndrome (Tham E et al. J Clin Endocrinol Metab, 2007 Sep;92:3389-95; Ambry Internal data). This missense alteration is located in a region that has a low rate of benign missense variation (Lek M et al. Nature. 2016 Aug 18;536(7616):285-91; DECIPHER: Database of Chromosomal Imbalance and Phenotype in Humans using Ensembl Resources. Firth H.V. et al. 2009. Am.J.Hum.Genet. 84, 524-533 (DOI)). This amino acid position is highly conserved in available vertebrate species. In addition, this alteration is predicted to be deleterious by in silico analysis. Based on the majority of available evidence to date, this variant is likely to be pathogenic.

Literature cited by the submitters: PubMed 17623761.